The following is an entry in ClinVar:

ClinVar aggregate classification (germline): Conflicting classifications of pathogenicity. Review status: criteria provided, conflicting classifications (1 of 4 stars). 2 submissions from 2 submitters: Likely pathogenic (1); Uncertain significance (1). Last evaluated 2025-09-19.

Conditions:
EDN3-related disorder. Also called: EDN3-related condition.

Submissions (2):

PreventionGenetics, part of Exact Sciences
Classification: Uncertain significance for EDN3-related condition. Last evaluated: 2025-09-19. Review status: criteria provided, single submitter. Criteria: ACMG Guidelines, 2015. Collection method: clinical testing. Allele origin: germline.
Comment: The EDN3 c.4delG variant is predicted to result in a frameshift and premature protein termination (p.Glu2Serfs*12). To our knowledge, this variant has not been reported in the literature or in a large population database (gnomAD), indicating this variant is rare. Although we suspect that this variant may be pathogenic, at this time, the clinical significance of this variant is uncertain due to the absence of conclusive functional and genetic evidence.

Blueprint Genetics
Classification: Likely pathogenic for EDN3-related disorders. Last evaluated: 2021-04-16. Review status: criteria provided, single submitter. Criteria: ACMG Guidelines, 2015. Collection method: clinical testing. Allele origin: germline. Affected: yes. Observed: 2 variant alleles.

NM_207034.3(EDN3):c.4del (p.Glu2fs)

Gene: EDN3 (endothelin 3; plus strand). Cytogenetic location: 20q13.32.
Variant type: Deletion.
Coding change: c.4del on transcript NM_207034.3 (MANE Select); coding-DNA position 4, one base deleted (G; older notation c.4delG).
Protein change: p.Glu2fs; shifts the reading frame from glutamic acid 2.
Molecular consequence: frameshift variant, initiator codon variant.
Genome position (GRCh38, 1-based): chr20:59,300,816, G deleted; the last of 2 consecutive G bases (chr20:59,300,815-59,300,816); deleting either gives the same sequence. VCF-style (leftmost placement, unchanged base first): chr20-59300814-TG-T. GRCh37 (hg19) VCF-style: chr20-57875869-TG-T.
Other names: c.4delG (NM_207034.2); c.4del, p.Glu2fs (NM_001302455.2, NM_001302456.2, NM_001424361.1 and 4 more transcripts); short protein forms E2fs.
Identifiers: ClinVar variation 4945525 (VCV004945525.2).